The following is an entry in ClinVar:

ClinVar aggregate classification (germline): Uncertain significance (1 of 4 stars; one submission).

Conditions:
Cardiovascular phenotype. Identifiers: MedGen CN230736.

Submission:

Ambry Genetics
Classification: Uncertain significance for Cardiovascular phenotype. Last evaluated: 2024-04-18. Review status: criteria provided, single submitter. Criteria: Ambry Variant Classification Scheme 2023. Collection method: clinical testing. Allele origin: germline.
Comment: The p.C705W variant (also known as c.2115C>G), located in coding exon 17 of the MYH7 gene, results from a C to G substitution at nucleotide position 2115. The cysteine at codon 705 is replaced by tryptophan, an amino acid with highly dissimilar properties. This alteration is located in the myosin head domain, which contains a statistically significant clustering of pathogenic missense variants (Homburger JR et al. Proc Natl Acad Sci U S A, 2016 06;113:6701-6; Walsh R et al. Genet Med, 2017 02;19:192-203; Ambry internal data). This variant has been detected in a hypertrophic cardiomyopathy cohort (Waldm&uuml;ller S et al. Eur J Heart Fail, 2011 Nov;13:1185-92). This amino acid position is highly conserved in available vertebrate species. In addition, this alteration is predicted to be deleterious by in silico analysis. Based on the available evidence, the clinical significance of this variant remains unclear.

Literature cited by the submitters: PubMed 21750094.

NM_000257.4(MYH7):c.2115C>G (p.Cys705Trp)

Gene: MYH7 (myosin heavy chain 7; minus strand). Cytogenetic location: 14q11.2.
Variant type: single nucleotide variant.
Coding change: c.2115C>G on transcript NM_000257.4 (MANE Select); coding-DNA position 2115, C replaced by G.
Protein change: p.Cys705Trp; replaces cysteine 705 with tryptophan.
Molecular consequence: missense variant.
Genome position (GRCh38, 1-based): chr14:23,426,011, G>C on the plus strand (C>G on the coding strand, the complement: MYH7 is on the minus strand). VCF-style: chr14-23426011-G-C. GRCh37 (hg19) VCF-style: chr14-23895220-G-C.
Other names: c.2115C>G, p.Cys705Trp (NM_001407004.1); short protein forms C705W.
Identifiers: ClinVar variation 3297513 (VCV003297513.1).